The following is an entry in ClinVar:

ClinVar aggregate classification (germline): Uncertain significance (1 of 4 stars; one submission).

Conditions:
Brugada syndrome 5 (BRGDA5). Identifiers: Orphanet 130, Orphanet 871, MedGen C2748541, MONDO:0013015, OMIM 612838.

gnomAD v4.1: 7 of 1,614,012 alleles (0.00043%); highest among the groups gnomAD compares: Non-Finnish European, 0.00059%; no homozygotes.

Submission:

Labcorp Genetics (formerly Invitae), Labcorp
Classification: Uncertain significance for Brugada syndrome 5. Last evaluated: 2021-08-03. Review status: criteria provided, single submitter. Criteria: Invitae Variant Classification Sherloc (09022015). Collection method: clinical testing. Allele origin: germline.
Comment: In summary, the available evidence is currently insufficient to determine the role of this variant in disease. Therefore, it has been classified as a Variant of Uncertain Significance. Algorithms developed to predict the effect of missense changes on protein structure and function are either unavailable or do not agree on the potential impact of this missense change (SIFT: "Deleterious"; PolyPhen-2: "Probably Damaging"; Align-GVGD: "Class C0"). This variant has not been reported in the literature in individuals affected with SCN1B-related conditions. This variant is not present in population databases (ExAC no frequency). This sequence change replaces glycine with cysteine at codon 150 of the SCN1B protein (p.Gly150Cys). The glycine residue is weakly conserved and there is a large physicochemical difference between glycine and cysteine.

NM_001037.5(SCN1B):c.448G>T (p.Ala150Ser)

Gene: SCN1B (sodium voltage-gated channel beta subunit 1; plus strand). Cytogenetic location: 19q13.11.
Variant type: single nucleotide variant.
Coding change: c.448G>T on transcript NM_001037.5 (MANE Select); coding-DNA position 448, G replaced by T.
Protein change: p.Ala150Ser; replaces alanine 150 with serine.
Molecular consequence: missense variant.
Genome position (GRCh38, 1-based): chr19:35,033,739, G>T. VCF-style: chr19-35033739-G-T. GRCh37 (hg19) VCF-style: chr19-35524643-G-T.
Other names: c.349G>T, p.Ala117Ser (NM_001321605.2); c.448G>T, p.Gly150Cys (NM_199037.5); short protein forms A117S, A150S, G150C.
Identifiers: ClinVar variation 1356797 (VCV001356797.6), dbSNP rs1034016541, ClinGen allele CA307703702.